The following is an entry in ClinVar:

NM_023110.3(FGFR1):c.1967A>T (p.Lys656Met)

Gene: FGFR1 (fibroblast growth factor receptor 1; minus strand). Cytogenetic location: 8p11.23.
Variant type: single nucleotide variant.
Coding change: c.1967A>T on transcript NM_023110.3 (MANE Select); coding-DNA position 1967, A replaced by T.
Protein change: p.Lys656Met; replaces lysine 656 with methionine.
Molecular consequence: missense variant.
Genome position (GRCh38, 1-based): chr8:38,414,789, T>A on the plus strand (A>T on the coding strand, the complement: FGFR1 is on the minus strand). VCF-style: chr8-38414789-T-A. GRCh37 (hg19) VCF-style: chr8-38272307-T-A.
Other names: c.1961A>T, p.Lys654Met (NM_001174063.2, NM_001174065.2, NM_001354367.2 and 1 more transcripts); c.1937A>T, p.Lys646Met (NM_001174064.2); c.1700A>T, p.Lys567Met (NM_001174066.2, NM_023105.3); c.2060A>T, p.Lys687Met (NM_001174067.2); c.1688A>T, p.Lys563Met (NM_001354368.2); c.1955A>T, p.Lys652Met (NM_001354369.2, NM_001410922.1); c.1694A>T, p.Lys565Met (NM_001354370.2, NM_023106.3); short protein forms K563M, K565M, K567M, K646M, K652M, K654M, K656M, K687M.
Identifiers: ClinVar variation 4530231 (VCV004530231.1).

ClinVar aggregate classification (somatic clinical impact): Tier I - Strong (1 of 4 stars; one submission).

Conditions:
Pilocytic astrocytoma. Also called: Pilocytic astrocytoma, somatic. Identifiers: Orphanet 251612, MedGen C0334583, MONDO:0016691, HP:0033680.

Submission:

Institute for Genomic Medicine (IGM) Clinical Laboratory, Nationwide Children's Hospital
Classification: Tier I - Strong for Pilocytic astrocytoma. Assertion type: diagnostic. Clinical significance: supports diagnosis. Last evaluated: 2025-04-30. Review status: criteria provided, single submitter. Criteria: AMP/ASCO/CAP Guidelines, 2017. Collection method: clinical testing. Allele origin: somatic. Affected: yes.
Comment: Variant has Tier I (strong) clinical significance as a diagnostic inclusion criterion in pilocytic astrocytoma, based on the following evidence: 1) Documented in one or more cancer databases (e.g., St. Jude Pecan, COSMIC, CIViC, OncoKB). 2) Appears in one or more well-established professional guidelines (e.g., World Health Organization [WHO]; National Comprehensive Cancer Network [NCCN]) as providing diagnostic, prognostic, or therapeutic information. 3) Information in the literature supports potential biologic effect of variant (PMIDs: 10918587, 34272467). 4) Diagnostic for a specific tumor type/classification according to professional guidelines (Evidence Level A; PMIDs: 23583981, 23817572, 27577993, 27701736, 32059187, 33352931, 35018490).

Literature cited by the submitters: PubMed 10918587; PubMed 34272467; PubMed 23583981; PubMed 23817572; PubMed 27577993; PubMed 27701736; PubMed 32059187; PubMed 33352931; PubMed 35018490.